The following is an entry in ClinVar:

ClinVar aggregate classification (germline): Uncertain significance. Review status: criteria provided, multiple submitters, no conflicts (2 of 4 stars). 2 submissions from 2 submitters: Uncertain significance (2). Last evaluated 2025-08-11.

Conditions:
Naxos disease (NXD). Also called: KERATOSIS PALMOPLANTARIS WITH ARRHYTHMOGENIC CARDIOMYOPATHY; MAL DE NAXOS; PALMOPLANTAR KERATODERMA WITH ARRHYTHMOGENIC RIGHT VENTRICULAR CARDIOMYOPATHY AND WOOLLY HAIR; WOOLLY HAIR, PALMOPLANTAR KERATODERMA, AND CARDIAC ABNORMALITIES; CARDIOMYOPATHY, ARRHYTHMOGENIC RIGHT VENTRICULAR, WITH SKIN, HAIR, AND NAIL ABNORMALITIES. Identifiers: Orphanet 34217, MedGen C1832600, MONDO:0011017, OMIM 601214.
Arrhythmogenic right ventricular dysplasia 12. Also called: ARRHYTHMOGENIC RIGHT VENTRICULAR DYSPLASIA, FAMILIAL, 12. Identifiers: MedGen C1969081, MONDO:0012684, OMIM 611528.
Cardiovascular phenotype. Identifiers: MedGen CN230736.

Submissions (2):

Labcorp Genetics (formerly Invitae), Labcorp
Classification: Uncertain significance for Arrhythmogenic right ventricular dysplasia 12; Naxos disease. Last evaluated: 2025-08-11. Review status: criteria provided, single submitter. Criteria: Invitae Variant Classification Sherloc (09022015). Collection method: clinical testing. Allele origin: germline.
Comment: This sequence change replaces glutamine, which is neutral and polar, with histidine, which is basic and polar, at codon 18 of the JUP protein (p.Gln18His). This variant is not present in population databases (gnomAD no frequency). This variant has not been reported in the literature in individuals affected with JUP-related conditions. ClinVar contains an entry for this variant (Variation ID: 1747961). An algorithm developed to predict the effect of missense changes on protein structure and function (PolyPhen-2) suggests that this variant is likely to be tolerated. In summary, the available evidence is currently insufficient to determine the role of this variant in disease. Therefore, it has been classified as a Variant of Uncertain Significance.

Ambry Genetics
Classification: Uncertain significance for Cardiovascular phenotype. Last evaluated: 2024-07-05. Review status: criteria provided, single submitter. Criteria: Ambry Variant Classification Scheme 2023. Collection method: clinical testing. Allele origin: germline.
Comment: The p.Q18H variant (also known as c.54G>C), located in coding exon 1 of the JUP gene, results from a G to C substitution at nucleotide position 54. The glutamine at codon 18 is replaced by histidine, an amino acid with highly similar properties. This amino acid position is well conserved in available vertebrate species. In addition, this alteration is predicted to be tolerated by in silico analysis. Since supporting evidence is limited at this time, the clinical significance of this alteration remains unclear.

NM_002230.4(JUP):c.54G>C (p.Gln18His)

Gene: JUP (junction plakoglobin; minus strand). Cytogenetic location: 17q21.2.
Variant type: single nucleotide variant.
Coding change: c.54G>C on transcript NM_002230.4 (MANE Select); coding-DNA position 54, G replaced by C.
Protein change: p.Gln18His; replaces glutamine 18 with histidine.
Molecular consequence: missense variant.
Genome position (GRCh38, 1-based): chr17:41,771,801, C>G on the plus strand (G>C on the coding strand, the complement: JUP is on the minus strand). VCF-style: chr17-41771801-C-G. GRCh37 (hg19) VCF-style: chr17-39928053-C-G.
Other names: c.54G>C, p.Gln18His (NM_001352773.2, NM_001352774.2, NM_001352775.2 and 3 more transcripts); short protein forms Q18H.
Identifiers: ClinVar variation 1747961 (VCV001747961.5), dbSNP rs2544217141, ClinGen allele CA399507185.